The following is an entry in ClinVar:

ClinVar aggregate classification (germline): Uncertain significance (1 of 4 stars; one submission).

Conditions:
Neurofibromatosis, type 1 (NF1). Also called: Peripheral type neurofibromatosis; VON RECKLINGHAUSEN DISEASE; NEUROFIBROMATOSIS, TYPE I, SOMATIC; Neurofibromatosis, type I. Identifiers: Orphanet 636, MedGen C0027831, MONDO:0018975, OMIM 162200. Disease mechanism: loss of function.

Submission:

Labcorp Genetics (formerly Invitae), Labcorp
Classification: Uncertain significance for Neurofibromatosis, type 1. Last evaluated: 2022-08-04. Review status: criteria provided, single submitter. Criteria: Invitae Variant Classification Sherloc (09022015). Collection method: clinical testing. Allele origin: germline.
Comment: This variant is not present in population databases (gnomAD no frequency). In summary, the available evidence is currently insufficient to determine the role of this variant in disease. Therefore, it has been classified as a Variant of Uncertain Significance. Advanced modeling of protein sequence and biophysical properties (such as structural, functional, and spatial information, amino acid conservation, physicochemical variation, residue mobility, and thermodynamic stability) performed at Invitae indicates that this missense variant is not expected to disrupt NF1 protein function. This variant has not been reported in the literature in individuals affected with NF1-related conditions. This sequence change replaces aspartic acid, which is acidic and polar, with glutamic acid, which is acidic and polar, at codon 2585 of the NF1 protein (p.Asp2585Glu).

NM_001042492.3(NF1):c.7818T>A (p.Asp2606Glu)

Gene: NF1 (neurofibromin 1; plus strand). Cytogenetic location: 17q11.2.
Variant type: single nucleotide variant.
Coding change: c.7818T>A on transcript NM_001042492.3 (MANE Select); coding-DNA position 7818, T replaced by A.
Protein change: p.Asp2606Glu; replaces aspartic acid 2606 with glutamic acid.
Molecular consequence: missense variant.
Genome position (GRCh38, 1-based): chr17:31,357,039, T>A. VCF-style: chr17-31357039-T-A. GRCh37 (hg19) VCF-style: chr17-29684057-T-A.
Other names: c.7755T>A, p.Asp2585Glu (NM_000267.4); short protein forms D2585E, D2606E.
Identifiers: ClinVar variation 1714995 (VCV001714995.5), dbSNP rs2508827659, ClinGen allele CA399018560.